The following is an entry in ClinVar:

ClinVar aggregate classification (germline): Uncertain significance (1 of 4 stars; one submission).

Conditions:
Inborn genetic diseases. Identifiers: MedGen C0950123, MeSH D030342.

Submission:

Ambry Genetics
Classification: Uncertain significance for Inborn genetic diseases. Last evaluated: 2026-04-22. Review status: criteria provided, single submitter. Criteria: Ambry Variant Classification Scheme 2023. Collection method: clinical testing. Allele origin: germline.
Comment: The p.H544Q variant (also known as c.1632C>G), located in coding exon 18 of the FANCA gene, results from a C to G substitution at nucleotide position 1632. The histidine at codon 544 is replaced by glutamine, an amino acid with highly similar properties. This amino acid position is conserved. In addition, this alteration is predicted to be tolerated by in silico analysis. Based on the available evidence, the clinical significance of this variant remains unclear.

NM_000135.4(FANCA):c.1632C>G (p.His544Gln)

Gene: FANCA (FA complementation group A; minus strand). Cytogenetic location: 16q24.3.
Variant type: single nucleotide variant.
Coding change: c.1632C>G on transcript NM_000135.4 (MANE Select); coding-DNA position 1632, C replaced by G.
Protein change: p.His544Gln; replaces histidine 544 with glutamine.
Molecular consequence: missense variant.
Genome position (GRCh38, 1-based): chr16:89,779,952, G>C on the plus strand (C>G on the coding strand, the complement: FANCA is on the minus strand). VCF-style: chr16-89779952-G-C. GRCh37 (hg19) VCF-style: chr16-89846360-G-C.
Other names: c.1632C>G, p.His544Gln (NM_001286167.3); short protein forms H544Q.
Identifiers: ClinVar variation 4870848 (VCV004870848.1).